The following is an entry in ClinVar:

ClinVar aggregate classification (germline): Uncertain significance (1 of 4 stars; one submission).

Conditions:
Candidiasis, familial, 8 (CANDF8). Identifiers: Orphanet 1334, MedGen C3714992, MONDO:0014230, OMIM 615527.

Allele frequency attached by ClinVar (database versions not stated): ExAC 0.00002; TOPMed 0.00002; ESP Exome Variant Server 0.00008.
gnomAD v4.1: 13 of 1,614,070 alleles (0.00081%); highest among the groups gnomAD compares: African/African-American, 0.011%; no homozygotes.

Submission:

Labcorp Genetics (formerly Invitae), Labcorp
Classification: Uncertain significance for Candidiasis, familial, 8. Last evaluated: 2022-08-06. Review status: criteria provided, single submitter. Criteria: Invitae Variant Classification Sherloc (09022015). Collection method: clinical testing. Allele origin: germline.
Comment: This sequence change replaces arginine, which is basic and polar, with histidine, which is basic and polar, at codon 84 of the TRAF3IP2 protein (p.Arg84His). This variant is present in population databases (rs141777182, gnomAD 0.02%). This variant has not been reported in the literature in individuals affected with TRAF3IP2-related conditions. Algorithms developed to predict the effect of missense changes on protein structure and function output the following: SIFT: "Tolerated"; PolyPhen-2: "Benign"; Align-GVGD: "Class C0". The histidine amino acid residue is found in multiple mammalian species, which suggests that this missense change does not adversely affect protein function. In summary, the available evidence is currently insufficient to determine the role of this variant in disease. Therefore, it has been classified as a Variant of Uncertain Significance.

NM_147686.4(TRAF3IP2):c.251G>A (p.Arg84His)

Genes: TRAF3IP2 (TRAF3 interacting protein 2; minus strand), TRAF3IP2-AS1 (TRAF3IP2 antisense RNA 1; plus strand), LOC114803478 (TRAF3IP2 eExon liver enhancer; plus strand). Cytogenetic location: 6q21.
Variant type: single nucleotide variant.
Coding change: c.251G>A on transcript NM_147686.4 (MANE Select); coding-DNA position 251, G replaced by A.
Protein change: p.Arg84His; replaces arginine 84 with histidine.
Molecular consequence: missense variant.
Genome position (GRCh38, 1-based): chr6:111,591,836, C>T on the plus strand (G>A on the coding strand, the complement: TRAF3IP2 is on the minus strand). VCF-style: chr6-111591836-C-T. GRCh37 (hg19) VCF-style: chr6-111913039-C-T.
Other names: c.251G>A, p.Arg84His (NM_001164281.3); c.278G>A, p.Arg93His (NM_147200.3); short protein forms R84H, R93H.
Identifiers: ClinVar variation 2419463 (VCV002419463.3), dbSNP rs141777182, ClinGen allele CA3963357.